The following is an entry in ClinVar:

NM_022455.5(NSD1):c.2800G>T (p.Val934Phe)

Gene: NSD1 (nuclear receptor binding SET domain protein 1; plus strand). Cytogenetic location: 5q35.3.
Variant type: single nucleotide variant.
Coding change: c.2800G>T on transcript NM_022455.5 (MANE Select); coding-DNA position 2800, G replaced by T.
Protein change: p.Val934Phe; replaces valine 934 with phenylalanine.
Molecular consequence: missense variant.
Genome position (GRCh38, 1-based): chr5:177,211,199, G>T. VCF-style: chr5-177211199-G-T. GRCh37 (hg19) VCF-style: chr5-176638200-G-T.
Other names: c.1927G>T, p.Val643Phe (NM_001365684.2, NM_001409306.1, NM_001409307.1 and 3 more transcripts); c.2800G>T, p.Val934Phe (NM_001409301.1, NM_001409302.1, NM_001409303.1); c.2380G>T, p.Val794Phe (NM_001409304.1); c.2047G>T, p.Val683Phe (NM_001409305.1); short protein forms V794F, V683F, V934F, V643F, V665F.
Identifiers: ClinVar variation 1796222 (VCV001796222.4), dbSNP rs2149846264, ClinGen allele CA362320406.

ClinVar aggregate classification (germline): Uncertain significance. Review status: criteria provided, multiple submitters, no conflicts (2 of 4 stars). 2 submissions from 2 submitters: Uncertain significance (2). Last evaluated 2023-01-16.

Conditions:
Inborn genetic diseases. Identifiers: MedGen C0950123, MeSH D030342.

Submissions (2):

Labcorp Genetics (formerly Invitae), Labcorp
Classification: Uncertain significance. Last evaluated: 2023-01-16. Review status: criteria provided, single submitter. Criteria: Invitae Variant Classification Sherloc (09022015). Collection method: clinical testing. Allele origin: germline.
Comment: In summary, the available evidence is currently insufficient to determine the role of this variant in disease. Therefore, it has been classified as a Variant of Uncertain Significance. Advanced modeling of protein sequence and biophysical properties (such as structural, functional, and spatial information, amino acid conservation, physicochemical variation, residue mobility, and thermodynamic stability) performed at Invitae indicates that this missense variant is not expected to disrupt NSD1 protein function. This sequence change replaces valine, which is neutral and non-polar, with phenylalanine, which is neutral and non-polar, at codon 934 of the NSD1 protein (p.Val934Phe). This variant is not present in population databases (gnomAD no frequency). This variant has not been reported in the literature in individuals affected with NSD1-related conditions. ClinVar contains an entry for this variant (Variation ID: 1796222).

Ambry Genetics
Classification: Uncertain significance for Inborn genetic diseases. Last evaluated: 2018-04-24. Review status: criteria provided, single submitter. Criteria: Ambry Variant Classification Scheme 2023. Collection method: clinical testing. Allele origin: germline.
Comment: The p.V934F variant (also known as c.2800G>T), located in coding exon 4 of the NSD1 gene, results from a G to T substitution at nucleotide position 2800. The valine at codon 934 is replaced by phenylalanine, an amino acid with highly similar properties. This amino acid position is not well conserved in available vertebrate species. In addition, the in silico prediction for this alteration is inconclusive. Since supporting evidence is limited at this time, the clinical significance of this alteration remains unclear.